The following is an entry in ClinVar:

NM_000492.4(CFTR):c.3797A>G (p.Glu1266Gly)

Genes: CFTR (CF transmembrane conductance regulator; plus strand), CFTR-AS2 (CFTR antisense RNA 2; minus strand). Cytogenetic location: 7q31.2.
Variant type: single nucleotide variant.
Coding change: c.3797A>G on transcript NM_000492.4 (MANE Select); coding-DNA position 3797, A replaced by G.
Protein change: p.Glu1266Gly; replaces glutamic acid 1266 with glycine.
Molecular consequence: missense variant.
Genome position (GRCh38, 1-based): chr7:117,642,517, A>G. VCF-style: chr7-117642517-A-G. GRCh37 (hg19) VCF-style: chr7-117282571-A-G.
Other names: short protein forms E1266G.
Identifiers: ClinVar variation 1734991 (VCV001734991.4), dbSNP rs1792933855, ClinGen allele CA368974992.

ClinVar aggregate classification (germline): Uncertain significance. Review status: criteria provided, multiple submitters, no conflicts (2 of 4 stars). 2 submissions from 2 submitters: Uncertain significance (2). Last evaluated 2024-03-28.

Conditions:
Cystic fibrosis (CF). Also called: MUCOVISCIDOSIS. Identifiers: Orphanet 586, MedGen C0010674, MONDO:0009061, OMIM 219700. Disease mechanism: loss of function.

Allele frequency attached by ClinVar (database versions not stated): TOPMed below 0.00001.

Submissions (2):

Women's Health and Genetics/Laboratory Corporation of America, LabCorp
Classification: Uncertain significance. Last evaluated: 2024-03-28. Review status: criteria provided, single submitter. Criteria: LabCorp Variant Classification Summary - May 2015. Collection method: clinical testing. Allele origin: germline.

Ambry Genetics
Classification: Uncertain significance for Cystic fibrosis. Last evaluated: 2021-06-21. Review status: criteria provided, single submitter. Criteria: Ambry Variant Classification Scheme 2023. Collection method: clinical testing. Allele origin: germline.
Comment: The p.E1266G variant (also known as c.3797A>G), located in coding exon 23 of the CFTR gene, results from an A to G substitution at nucleotide position 3797. The glutamic acid at codon 1266 is replaced by glycine, an amino acid with similar properties. This amino acid position is conserved. In addition, this alteration is predicted to be deleterious by in silico analysis. Since supporting evidence is limited at this time, the clinical significance of this alteration remains unclear.